The following is an entry in ClinVar:

NM_007294.4(BRCA1):c.4376A>T (p.Lys1459Ile)

Gene: BRCA1 (BRCA1 DNA repair associated; minus strand). Cytogenetic location: 17q21.31.
Variant type: single nucleotide variant.
Coding change: c.4376A>T on transcript NM_007294.4 (MANE Select); coding-DNA position 4376, A replaced by T.
Protein change: p.Lys1459Ile; replaces lysine 1459 with isoleucine.
Molecular consequence: missense variant. On other transcripts: non-coding transcript variant (1).
Genome position (GRCh38, 1-based): chr17:43,076,596, T>A on the plus strand (A>T on the coding strand, the complement: BRCA1 is on the minus strand). VCF-style: chr17-43076596-T-A. GRCh37 (hg19) VCF-style: chr17-41228613-T-A.
Other names: c.4298A>T, p.Lys1433Ile (NM_001407654.1, NM_001407655.1, NM_001407653.1); c.4295A>T, p.Lys1432Ile (NM_001407656.1, NM_001407657.1, NM_001407658.1); c.4292A>T, p.Lys1431Ile (NM_001407659.1, NM_001407660.1, NM_001407661.1 and 2 more transcripts); c.4253A>T, p.Lys1418Ile (NM_001407664.1, NM_001407665.1, NM_001407666.1 and 6 more transcripts); c.4250A>T, p.Lys1417Ile (NM_001407673.1, NM_001407674.1, NM_001407675.1 and 11 more transcripts); c.4247A>T, p.Lys1416Ile (NM_001407681.1, NM_001407682.1, NM_001407683.1 and 6 more transcripts); c.4376A>T, p.Lys1459Ile (NM_001407684.1, NM_001407593.1, NM_001407594.1 and 8 more transcripts); c.923A>T, p.Lys308Ile (NM_001408463.1, NM_001408464.1, NM_001408465.1 and 7 more transcripts); and 68 more; short protein forms K1412I, K1459I, K1480I, K355I, K1162I, K1346I, K1369I, K1370I.
Identifiers: ClinVar variation 1331217 (VCV001331217.10), dbSNP rs1555582697, ClinGen allele CA10592788.

ClinVar aggregate classification (germline): Uncertain significance. Review status: criteria provided, multiple submitters, no conflicts (2 of 4 stars). 2 submissions from 2 submitters: Uncertain significance (2). Last evaluated 2021-07-02.

Conditions:
Hereditary breast ovarian cancer syndrome. Also called: Hereditary breast and ovarian cancer syndrome; Hereditary breast and ovarian cancer; Hereditary breast and ovarian cancer syndrome (HBOC); Hereditary breast and/or ovarian cancer syndrome; Breast and ovarian cancer; BRCA1- and BRCA2-Associated Hereditary Breast and Ovarian Cancer. Identifiers: Orphanet 145, MedGen C0677776, MeSH D061325, MONDO:0003582. Disease mechanism: loss of function.

Submissions (2):

GeneDx
Classification: Uncertain significance. Last evaluated: 2021-07-02. Review status: criteria provided, single submitter. Criteria: GeneDx Variant Classification Process June 2021. Collection method: clinical testing. Allele origin: germline. Affected: yes.
Comment: Has not been previously published as pathogenic or benign to our knowledge; In silico analysis supports that this missense variant has a deleterious effect on protein structure/function; In-silico analysis, which includes splice predictors and evolutionary conservation, is inconclusive as to whether the variant alters gene splicing. In the absence of RNA/functional studies, the actual effect of this sequence change is unknown.; Not observed at significant frequency in large population cohorts (Lek 2016); Also known as 4495A>T; This variant is associated with the following publications: (PMID: 15343273, 22737296, 27535533)

Labcorp Genetics (formerly Invitae), Labcorp
Classification: Uncertain significance for Hereditary breast ovarian cancer syndrome. Last evaluated: 2021-05-28. Review status: criteria provided, single submitter. Criteria: Invitae Variant Classification Sherloc (09022015). Collection method: clinical testing. Allele origin: germline.
Comment: In summary, the available evidence is currently insufficient to determine the role of this variant in disease. Therefore, it has been classified as a Variant of Uncertain Significance. Advanced modeling of protein sequence and biophysical properties (such as structural, functional, and spatial information, amino acid conservation, physicochemical variation, residue mobility, and thermodynamic stability) performed at Invitae indicates that this missense variant is not expected to disrupt BRCA1 protein function. This variant has not been reported in the literature in individuals with BRCA1-related conditions. This variant is not present in population databases (ExAC no frequency). This sequence change replaces lysine with isoleucine at codon 1459 of the BRCA1 protein (p.Lys1459Ile). The lysine residue is moderately conserved and there is a moderate physicochemical difference between lysine and isoleucine.